The following is an entry in ClinVar:

ClinVar aggregate classification (germline): Pathogenic. Review status: criteria provided, single submitter (1 of 4 stars). 3 submissions from 3 submitters: Pathogenic (1). 2 of the submissions do not count toward it.

Conditions:
Cerebellar ataxia, impaired intellectual development, and dysequilibrium syndrome 1. Also called: Cerebellar ataxia, mental retardation, and dysequilibrium syndrome 1; VLDLR Cerebellar Hypoplasia; Cerebellar hypoplasia and mental retardation with or without quadrupedal locomotion 1; CEREBELLAR ATAXIA AND MENTAL RETARDATION WITH OR WITHOUT QUADRUPEDAL LOCOMOTION 1; CEREBELLAR ATAXIA, CONGENITAL, AND MENTAL RETARDATION, AUTOSOMAL RECESSIVE; Cerebellar ataxia, intellectual disability, and dysequilibrium syndrome 1. Identifiers: Orphanet 1766, MedGen C4551552, MONDO:0024542, OMIM 224050.

Allele frequency attached by ClinVar (database versions not stated): TOPMed 0.00001.

Submissions (3):

Neuberg Centre For Genomic Medicine, NCGM
Classification: Pathogenic for Cerebellar ataxia, impaired intellectual development, and dysequilibrium syndrome 1. Review status: criteria provided, single submitter. Criteria: ACMG Guidelines, 2015. Collection method: clinical testing. Allele origin: germline. Inheritance: Autosomal recessive inheritance. Affected: yes.
Comment: The stop gained p.R257* in VLDLR (NM_003383.5) has been reported to ClinVar as Pathogenic. The p.R257* variant is novel (not in any individuals) in gnomAD Exomes and is novel (not in any individuals) in 1000 Genomes. This variant is predicted to cause loss of normal protein function through protein truncation. The amino acid change p.R257 in VLDLR is predicted as conserved by GERP++ and PhyloP across 100 vertebrates. The p.R257* variant is a loss of function variant in the gene VLDLR. For these reasons, the variant has been classified as Pathogenic.

OMIM
Classification: Pathogenic for CEREBELLAR ATAXIA, IMPAIRED INTELLECTUAL DEVELOPMENT, AND DYSEQUILIBRIUM SYNDROME 1. Last evaluated: 2008-03-18. Review status: no assertion criteria provided. Collection method: literature only. Allele origin: germline. Not counted in ClinVar's aggregate classification.

GeneReviews
No classification provided. Condition: Cerebellar ataxia, impaired intellectual development, and dysequilibrium syndrome 1. Review status: no classification provided. Collection method: literature only. Allele origin: unknown. Not counted in ClinVar's aggregate classification.

Literature cited by the submitters: PubMed 18326629 (cited by OMIM and GeneReviews); PubMed 20301729 (cited by GeneReviews); NCBI Bookshelf NBK1874 (cited by GeneReviews).

NM_003383.5(VLDLR):c.769C>T (p.Arg257Ter)

Gene: VLDLR (very low density lipoprotein receptor; plus strand). Cytogenetic location: 9p24.2.
Variant type: single nucleotide variant.
Coding change: c.769C>T on transcript NM_003383.5 (MANE Select); coding-DNA position 769, C replaced by T.
Protein change: p.Arg257Ter; replaces arginine 257 with a stop codon.
Molecular consequence: nonsense.
Genome position (GRCh38, 1-based): chr9:2,643,480, C>T. VCF-style: chr9-2643480-C-T. GRCh37 (hg19) VCF-style: chr9-2643480-C-T.
Other names: c.769C>T, p.Arg257Ter (NM_001018056.3); c.646C>T, p.Arg216Ter (NM_001322225.2, NM_001322226.2); short protein forms R257*, R216*.
Identifiers: ClinVar variation 12201 (VCV000012201.5), dbSNP rs80338907, ClinGen allele CA121943.